The following is an entry in ClinVar:

NM_014974.3(DIP2C):c.715G>A (p.Ala239Thr)

Gene: DIP2C (DIP2 acetate--CoA ligase C (putative); minus strand). Cytogenetic location: 10p15.3.
Variant type: single nucleotide variant.
Coding change: c.715G>A on transcript NM_014974.3 (MANE Select); coding-DNA position 715, G replaced by A.
Protein change: p.Ala239Thr; replaces alanine 239 with threonine.
Molecular consequence: missense variant.
Genome position (GRCh38, 1-based): chr10:419,089, C>T on the plus strand (G>A on the coding strand, the complement: DIP2C is on the minus strand). VCF-style: chr10-419089-C-T. GRCh37 (hg19) VCF-style: chr10-465029-C-T.
Other names: short protein forms A239T.
Identifiers: ClinVar variation 3698568 (VCV003698568.2).

ClinVar aggregate classification (germline): Uncertain significance (1 of 4 stars; one submission).

gnomAD v4.1: 53 of 1,614,270 alleles (0.0033%); highest among the groups gnomAD compares: South Asian, 0.027%; no homozygotes.

Submission:

Labcorp Genetics (formerly Invitae), Labcorp
Classification: Uncertain significance. Last evaluated: 2025-01-21. Review status: criteria provided, single submitter. Criteria: Invitae Variant Classification Sherloc (09022015). Collection method: clinical testing. Allele origin: germline.
Comment: This sequence change replaces alanine, which is neutral and non-polar, with threonine, which is neutral and polar, at codon 239 of the DIP2C protein (p.Ala239Thr). This variant is present in population databases (rs773454495, gnomAD 0.03%). This variant has not been reported in the literature in individuals affected with DIP2C-related conditions. An algorithm developed to predict the effect of missense changes on protein structure and function (PolyPhen-2) suggests that this variant is likely to be tolerated. In summary, the available evidence is currently insufficient to determine the role of this variant in disease. Therefore, it has been classified as a Variant of Uncertain Significance.